The following is an entry in ClinVar:

ClinVar aggregate classification (germline): Uncertain significance. Review status: criteria provided, multiple submitters, no conflicts (2 of 4 stars). 2 submissions from 2 submitters: Uncertain significance (2). Last evaluated 2023-05-29.

Conditions:
Hereditary cancer-predisposing syndrome. Also called: Hereditary Cancer Syndrome; Neoplastic Syndromes, Hereditary; Tumor predisposition; Hereditary neoplastic syndrome. Identifiers: Orphanet 140162, MedGen C0027672, MeSH D009386, MONDO:0015356.

Submissions (2):

Blueprint Genetics
Classification: Uncertain significance. Last evaluated: 2023-05-29. Review status: criteria provided, single submitter. Criteria: ACMG Guidelines, 2015. Collection method: clinical testing. Allele origin: germline.

Ambry Genetics
Classification: Uncertain significance for Hereditary cancer-predisposing syndrome. Last evaluated: 2023-01-21. Review status: criteria provided, single submitter. Criteria: Ambry Variant Classification Scheme 2023. Collection method: clinical testing. Allele origin: germline.
Comment: The p.T2017N variant (also known as c.6050C>A), located in coding exon 15 of the APC gene, results from a C to A substitution at nucleotide position 6050. The threonine at codon 2017 is replaced by asparagine, an amino acid with similar properties. This amino acid position is conserved. In addition, in silico predictors for this gene do not accurately predict pathogenicity. Since supporting evidence is limited at this time, the clinical significance of this alteration remains unclear.

NM_000038.6(APC):c.6050C>A (p.Thr2017Asn)

Gene: APC (APC regulator of Wnt signaling pathway; plus strand). Cytogenetic location: 5q22.2.
Variant type: single nucleotide variant.
Coding change: c.6050C>A on transcript NM_000038.6 (MANE Select); coding-DNA position 6050, C replaced by A.
Protein change: p.Thr2017Asn; replaces threonine 2017 with asparagine.
Molecular consequence: missense variant. On other transcripts: non-coding transcript variant (2).
Genome position (GRCh38, 1-based): chr5:112,841,644, C>A. VCF-style: chr5-112841644-C-A. GRCh37 (hg19) VCF-style: chr5-112177341-C-A.
Other names: c.6050C>A, p.Thr2017Asn (NM_001127510.3, NM_001354895.2, NM_001407450.1); c.5996C>A, p.Thr1999Asn (NM_001127511.3); c.6104C>A, p.Thr2035Asn (NM_001354896.2, NM_001407447.1, NM_001407448.1 and 1 more transcripts); c.6080C>A, p.Thr2027Asn (NM_001354897.2); c.5975C>A, p.Thr1992Asn (NM_001354898.2); c.5966C>A, p.Thr1989Asn (NM_001354899.2); c.5927C>A, p.Thr1976Asn (NM_001354900.2); c.5873C>A, p.Thr1958Asn (NM_001354901.2, NM_001407453.1); and 11 more; short protein forms T1734N, T1888N, T1891N, T1976N, T1992N, T1857N, T1916N, T1989N.
Identifiers: ClinVar variation 2452722 (VCV002452722.3), dbSNP rs1766123052, ClinGen allele CA16034571.
Genomic context (GRCh38, chr5:112,841,644, plus strand): 5'-GAGAACCAAGTAAACCTCAAGCATCAGGCTATGCTCCTAAATCATTTCATGTTGAAGATA[C>A]CCCAGTTTGTTTCTCAAGAAACAGTTCTCTCAGTTCTCTTAGTATTGACTCTGAAGATGA-3'
Protein context (NP_000029.2, residues 2007-2027): YAPKSFHVED[Thr2017Asn]PVCFSRNSSL